The following is an entry in ClinVar:

ClinVar aggregate classification (germline): Benign/Likely benign. Review status: criteria provided, multiple submitters, no conflicts (2 of 4 stars). 7 submissions from 4 submitters: Benign (1); Likely benign (6). Last evaluated 2026-01-21.

Conditions:
Malignant hyperthermia, susceptibility to, 5 (MHS5). Also called: CACNA1S-Related Malignant Hyperthermia Susceptibility. Identifiers: Orphanet 423, MedGen C1866077, MONDO:0011163, OMIM 601887.
Congenital myopathy 18. Also called: DIHYDROPYRIDINE RECEPTOR CONGENITAL MYOPATHY; DHPR CONGENITAL MYOPATHY; Myopathy, congenital, due to dihydropyridine receptor defect. Identifiers: MedGen C5830283, MONDO:0859514, OMIM 620246.
Thyrotoxic periodic paralysis, susceptibility to, 1 (TTPP1). Identifiers: Orphanet 79102, MedGen C2749982, MONDO:0008570, OMIM 188580.
Hypokalemic periodic paralysis, type 1. Also called: Hypokalemic Periodic Paralysis Type 1 (AD); HypoPP. Identifiers: Orphanet 681, MedGen C3714580, MONDO:0042979, OMIM 170400.

Allele frequency attached by ClinVar (database versions not stated): TOPMed 0.00004; gnomAD 0.00007 and 0.00016; gnomAD exomes 0.00017 and 0.00036; ExAC 0.00032; 1000 Genomes Project 0.00040; 1000 Genomes Project 30x 0.00047.
gnomAD v4.1: 286 of 1,614,154 alleles (0.018%); highest among the groups gnomAD compares: South Asian, 0.26%; 1 homozygote.

Submissions (7):

Labcorp Genetics (formerly Invitae), Labcorp
Classification: Likely benign for Hypokalemic periodic paralysis, type 1; Malignant hyperthermia, susceptibility to, 5. Last evaluated: 2026-01-21. Review status: criteria provided, single submitter. Criteria: Invitae Variant Classification Sherloc (09022015). Collection method: clinical testing. Allele origin: germline.

Genome-Nilou Lab
Classification: Likely benign for Malignant hyperthermia, susceptibility to, 5. Last evaluated: 2023-04-11. Review status: criteria provided, single submitter. Criteria: ACMG Guidelines, 2015. Collection method: clinical testing. Allele origin: germline. Affected: no.

Genome-Nilou Lab
Classification: Likely benign for Thyrotoxic periodic paralysis, susceptibility to, 1. Last evaluated: 2023-04-11. Review status: criteria provided, single submitter. Criteria: ACMG Guidelines, 2015. Collection method: clinical testing. Allele origin: germline. Affected: no.

Genome-Nilou Lab
Classification: Likely benign for Congenital myopathy 18. Last evaluated: 2023-04-11. Review status: criteria provided, single submitter. Criteria: ACMG Guidelines, 2015. Collection method: clinical testing. Allele origin: germline. Affected: no.

Genome-Nilou Lab
Classification: Likely benign for Hypokalemic periodic paralysis, type 1. Last evaluated: 2023-04-11. Review status: criteria provided, single submitter. Criteria: ACMG Guidelines, 2015. Collection method: clinical testing. Allele origin: germline. Affected: no.

Color Diagnostics, LLC DBA Color Health
Classification: Likely benign for Malignant hyperthermia, susceptibility to, 5. Last evaluated: 2022-10-20. Review status: criteria provided, single submitter. Criteria: ACMG Guidelines, 2015. Collection method: clinical testing. Allele origin: germline.

Illumina Laboratory Services, Illumina
Classification: Benign for Hypokalemic periodic paralysis, type 1. Last evaluated: 2018-01-13. Review status: criteria provided, single submitter. Criteria: ICSL Variant Classification Criteria 13 December 2019. Collection method: clinical testing. Allele origin: germline.
Comment: This variant was observed in the ICSL laboratory as part of a predisposition screen in an ostensibly healthy population. It had not been previously curated by ICSL or reported in the Human Gene Mutation Database (HGMD: prior to June 1st, 2018), and was therefore a candidate for classification through an automated scoring system. Utilizing variant allele frequency, disease prevalence and penetrance estimates, and inheritance mode, an automated score was calculated to assess if this variant is too frequent to cause the disease. Based on the score and internal cut-off values, a variant classified as benign is not then subjected to further curation. The score for this variant resulted in a classification of benign for this disease.

NM_000069.3(CACNA1S):c.1324G>A (p.Val442Ile)

Gene: CACNA1S (calcium voltage-gated channel subunit alpha1 S; minus strand). Cytogenetic location: 1q32.1.
Variant type: single nucleotide variant.
Coding change: c.1324G>A on transcript NM_000069.3 (MANE Select); coding-DNA position 1324, G replaced by A.
Protein change: p.Val442Ile; replaces valine 442 with isoleucine.
Molecular consequence: missense variant.
Genome position (GRCh38, 1-based): chr1:201,083,231, C>T on the plus strand (G>A on the coding strand, the complement: CACNA1S is on the minus strand). VCF-style: chr1-201083231-C-T. GRCh37 (hg19) VCF-style: chr1-201052359-C-T.
Other names: short protein forms V442I.
Identifiers: ClinVar variation 699331 (VCV000699331.16), dbSNP rs572977674, ClinGen allele CA078139.